The following is an entry in ClinVar:

ClinVar aggregate classification (germline): Uncertain significance. Review status: criteria provided, multiple submitters, no conflicts (2 of 4 stars). 6 submissions from 6 submitters: Uncertain significance (6). Last evaluated 2026-01-05.

Conditions:
Lynch syndrome 5 (LYNCH5). Also called: Colorectal cancer, hereditary nonpolyposis, type 5; Hereditary non-polyposis colorectal cancer, type 5. Identifiers: Orphanet 144, MedGen C1833477, MONDO:0013710, OMIM 614350. Disease mechanism: loss of function.
Endometrial carcinoma. Also called: Endometrial carcinoma, somatic. Identifiers: MedGen C0476089, MONDO:0002447, OMIM 608089, HP:0012114.
Mismatch repair cancer syndrome 3. Identifiers: MedGen C5436807, MONDO:0030841, OMIM 619097.
Hereditary cancer-predisposing syndrome. Also called: Neoplastic Syndromes, Hereditary; Hereditary Cancer Syndrome; Tumor predisposition; Hereditary neoplastic syndrome. Identifiers: Orphanet 140162, MedGen C0027672, MeSH D009386, MONDO:0015356.
Lynch syndrome. Identifiers: Orphanet 144, MedGen C4552100, MONDO:0005835. Disease mechanism: loss of function.
Hereditary nonpolyposis colorectal neoplasms. Identifiers: MedGen C0009405, MeSH D003123.

Allele frequency attached by ClinVar (database versions not stated): TOPMed below 0.00001.
gnomAD v4.1: 1 of 1,614,094 alleles (0.000062%); highest among the groups gnomAD compares: Non-Finnish European, 0.000085%; no homozygotes.

Submissions (6):

Labcorp Genetics (formerly Invitae), Labcorp
Classification: Uncertain significance for Hereditary nonpolyposis colorectal neoplasms. Last evaluated: 2026-01-05. Review status: criteria provided, single submitter. Criteria: Invitae Variant Classification Sherloc (09022015). Collection method: clinical testing. Allele origin: germline.
Comment: This sequence change replaces leucine, which is neutral and non-polar, with isoleucine, which is neutral and non-polar, at codon 700 of the MSH6 protein (p.Leu700Ile). This variant is not present in population databases (gnomAD no frequency). This variant has not been reported in the literature in individuals affected with MSH6-related conditions. ClinVar contains an entry for this variant (Variation ID: 232785). Invitae Evidence Modeling of protein sequence and biophysical properties (such as structural, functional, and spatial information, amino acid conservation, physicochemical variation, residue mobility, and thermodynamic stability) indicates that this missense variant is not expected to disrupt MSH6 protein function with a negative predictive value of 95%. In summary, the available evidence is currently insufficient to determine the role of this variant in disease. Therefore, it has been classified as a Variant of Uncertain Significance.

Ambry Genetics
Classification: Uncertain significance for Hereditary cancer-predisposing syndrome. Last evaluated: 2024-03-19. Review status: criteria provided, single submitter. Criteria: Ambry Variant Classification Scheme 2023. Collection method: clinical testing. Allele origin: germline.
Comment: The p.L700I variant (also known as c.2098C>A), located in coding exon 4 of the MSH6 gene, results from a C to A substitution at nucleotide position 2098. The leucine at codon 700 is replaced by isoleucine, an amino acid with highly similar properties. This amino acid position is highly conserved in available vertebrate species. In addition, the in silico prediction for this alteration is inconclusive. Since supporting evidence is limited at this time, the clinical significance of this alteration remains unclear.

Color Diagnostics, LLC DBA Color Health
Classification: Uncertain significance for Hereditary cancer-predisposing syndrome. Last evaluated: 2024-03-07. Review status: criteria provided, single submitter. Criteria: ACMG Guidelines, 2015. Collection method: clinical testing. Allele origin: germline.
Comment: This missense variant replaces leucine with isoleucine at codon 700 of the MSH6 protein. Computational prediction suggests that this variant may not impact protein structure and function (internally defined REVEL score threshold <= 0.5, PMID: 27666373). To our knowledge, functional studies have not been reported for this variant. This variant has not been reported in individuals affected with hereditary cancer in the literature. This variant has not been identified in the general population by the Genome Aggregation Database (gnomAD). The available evidence is insufficient to determine the role of this variant in disease conclusively. Therefore, this variant is classified as a Variant of Uncertain Significance.

All of Us Research Program, National Institutes of Health
Classification: Uncertain significance for Lynch syndrome. Last evaluated: 2023-06-28. Review status: criteria provided, single submitter. Criteria: ACMG Guidelines, 2015. Collection method: clinical testing. Allele origin: germline. Inheritance: Autosomal dominant inheritance. Observed: 1 variant allele, 1 heterozygote.
Comment: This missense variant replaces leucine with isoleucine at codon 700 of the MSH6 protein. Computational prediction suggests that this variant may not impact protein structure and function (internally defined REVEL score threshold <= 0.5, PMID: 27666373). To our knowledge, functional studies have not been reported for this variant. This variant has not been reported in individuals affected with hereditary cancer in the literature. This variant has not been identified in the general population by the Genome Aggregation Database (gnomAD). The available evidence is insufficient to determine the role of this variant in disease conclusively. Therefore, this variant is classified as a Variant of Uncertain Significance.

This study involves interpretation of variants in research participants for the purpose of population health screening. Participant phenotype was not available at the time of variant classification. Additional details can be found in publication PMID: 35346344, PMCID: PMC8962531

Blueprint Genetics
Classification: Uncertain significance. Last evaluated: 2023-04-24. Review status: criteria provided, single submitter. Criteria: ACMG Guidelines, 2015. Collection method: clinical testing. Allele origin: germline.

Fulgent Genetics
Classification: Uncertain significance for Endometrial carcinoma; Lynch syndrome 5; Mismatch repair cancer syndrome 3. Last evaluated: 2022-05-18. Review status: criteria provided, single submitter. Criteria: ACMG Guidelines, 2015. Collection method: clinical testing. Allele origin: unknown.

NM_000179.3(MSH6):c.2098C>A (p.Leu700Ile)

Gene: MSH6 (mutS homolog 6; plus strand). Cytogenetic location: 2p16.3.
Variant type: single nucleotide variant.
Coding change: c.2098C>A on transcript NM_000179.3 (MANE Select); coding-DNA position 2098, C replaced by A.
Protein change: p.Leu700Ile; replaces leucine 700 with isoleucine.
Molecular consequence: missense variant.
Genome position (GRCh38, 1-based): chr2:47,800,081, C>A. VCF-style: chr2-47800081-C-A. GRCh37 (hg19) VCF-style: chr2-48027220-C-A.
Other names: c.1708C>A, p.Leu570Ile (NM_001281492.2); c.1192C>A, p.Leu398Ile (NM_001281493.2, NM_001281494.2); short protein forms L700I, L570I, L398I.
Identifiers: ClinVar variation 232785 (VCV000232785.26), dbSNP rs587779230, ClinGen allele CA10578092.
Genomic context (GRCh38, chr2:47,800,081, plus strand): 5'-GCCCTCTCTGCTCTAGGTGGTTGTGTCTTCTACCTCAAAAAATGCCTTATTGATCAGGAG[C>A]TTTTATCAATGGCTAATTTTGAAGAATATATTCCCTTGGATTCTGACACAGTCAGCACTA-3'
Protein context (NP_000170.1, residues 690-710): YLKKCLIDQE[Leu700Ile]LSMANFEEYI